The following is an entry in ClinVar:

NM_022455.5(NSD1):c.6437dup (p.Cys2146fs)

Gene: NSD1 (nuclear receptor binding SET domain protein 1; plus strand). Cytogenetic location: 5q35.3.
Variant type: Duplication.
Coding change: c.6437dup on transcript NM_022455.5 (MANE Select); coding-DNA position 6437, one base duplicated (G; older notation c.6437dupG).
Protein change: p.Cys2146fs; shifts the reading frame from cysteine 2146.
Molecular consequence: frameshift variant.
Genome position (GRCh38, 1-based): chr5:177,292,132, G duplicated. VCF-style (leftmost placement, unchanged base first): chr5-177292131-T-TG. GRCh37 (hg19) VCF-style: chr5-176719132-T-TG.
Other names: c.6437dupG (NM_022455.4); c.5564dup, p.Cys1855Trpfs (NM_001365684.2, NM_001409308.1, NM_172349.5); c.6437dup, p.Cys2146Trpfs (NM_001409301.1, NM_001409302.1, NM_001409303.1); c.6017dup, p.Cys2006Trpfs (NM_001409304.1); c.5684dup, p.Cys1895Trpfs (NM_001409305.1); c.5675dup, p.Cys1892Trpfs (NM_001409306.1, NM_001409307.1); c.5315dup, p.Cys1772Trpfs (NM_001409309.1); short protein forms C1877fs, C2146fs.
Identifiers: ClinVar variation 547727 (VCV000547727.13), dbSNP rs1554206836, ClinGen allele CA658822383.
Genomic context (GRCh38, chr5:177,292,131, plus strand): 5'-GATGCTGGCCAGCTCGTCTCCTGCAAGAAACCAGGCTGCCCAAAAGTTTACCACGCAGAC[T>TG]GTCTCAATCTGACCAAGCGACCAGCAGGTTGGTGCCAAAATCCATTTGTACCGCTACTCG-3'

ClinVar aggregate classification (germline): Pathogenic/Likely pathogenic. Review status: criteria provided, multiple submitters, no conflicts (2 of 4 stars). 3 submissions from 3 submitters: Pathogenic (2); Likely pathogenic (1). Last evaluated 2021-07-15.

Conditions:
Sotos syndrome (SOTOS). Also called: Distinctive facial appearance, overgrowth in childhood, and learning disabilities or delayed development; CEREBRAL GIGANTISM; Sotos' syndrome; CHROMOSOME 5q35 DELETION SYNDROME; SOTOS SYNDROME 1. Identifiers: Orphanet 821, MedGen C0175695, MONDO:0019349, OMIM 117550.

Submissions (3):

Genome-Nilou Lab
Classification: Pathogenic for Sotos syndrome. Last evaluated: 2021-07-15. Review status: criteria provided, single submitter. Criteria: ACMG Guidelines, 2015. Collection method: clinical testing. Allele origin: germline. Affected: no.

Labcorp Genetics (formerly Invitae), Labcorp
Classification: Pathogenic. Last evaluated: 2019-05-20. Review status: criteria provided, single submitter. Criteria: Invitae Variant Classification Sherloc (09022015). Collection method: clinical testing. Allele origin: germline.
Comment: For these reasons, this variant has been classified as Pathogenic. This variant disrupts the C-terminus of the NSD1 protein. Other variant(s) that disrupt this region (p.Glu2564*) have been determined to be pathogenic (Invitae). This suggests that variants that disrupt this region of the protein are likely to be causative of disease. This variant has not been reported in the literature in individuals with NSD1-related conditions. ClinVar contains an entry for this variant (Variation ID: 547727). This variant is not present in population databases (ExAC no frequency). This sequence change results in a premature translational stop signal in the NSD1 gene (p.Cys2146Trpfs*20). While this is not anticipated to result in nonsense mediated decay, it is expected to disrupt the last 551 amino acids of the NSD1 protein.

Center for Human Genetics, Inc
Classification: Likely pathogenic. Last evaluated: 2016-11-01. Review status: criteria provided, single submitter. Criteria: ACMG Guidelines, 2015. Collection method: clinical testing. Allele origin: germline. Affected: yes.